The following is an entry in ClinVar:

ClinVar aggregate classification (germline): Uncertain significance (1 of 4 stars; one submission).

gnomAD v4.1: 9 of 1,590,214 alleles (0.00057%); highest among the groups gnomAD compares: Non-Finnish European, 0.00026%; no homozygotes.

Submission:

Dasa
Classification: Uncertain significance. Last evaluated: 2026-04-25. Review status: criteria provided, single submitter. Criteria: DASA Assertion Criteria. Collection method: clinical testing. Allele origin: germline.
Comment: NM_021956.5(GRIK2):c.2562+6T>C is a splice-region variant. This variant is rare in population databases. Computational prediction algorithms are consistent with a deleterious effect. The currently available literature and clinical evidence are not sufficient to establish a definitive association between this variant and the reported condition. Therefore, this variant is classified as a variant of uncertain significance.

NM_021956.5(GRIK2):c.2562+6T>C

Gene: GRIK2 (glutamate ionotropic receptor kainate type subunit 2; plus strand). Cytogenetic location: 6q16.3.
Variant type: single nucleotide variant.
Coding change: c.2562+6T>C on transcript NM_021956.5 (MANE Select); 6 bases into the intron after coding-DNA position 2562, T replaced by C.
Molecular consequence: intron variant.
Genome position (GRCh38, 1-based): chr6:102,055,586, T>C. VCF-style: chr6-102055586-T-C. GRCh37 (hg19) VCF-style: chr6-102503461-T-C.
Other names: c.2562+6T>C (NM_175768.3, NM_001166247.1).
Identifiers: ClinVar variation 4881162 (VCV004881162.2).